The following is an entry in ClinVar:

ClinVar aggregate classification (germline): Conflicting classifications of pathogenicity. Review status: criteria provided, conflicting classifications (1 of 4 stars). 2 submissions from 2 submitters: Pathogenic (1); Uncertain significance (1). Last evaluated 2025-12-19.

Conditions:
Microphthalmia with brain and digit anomalies (MCOPS6). Also called: Microphthalmia, syndromic 6; MICROPHTHALMIA AND PITUITARY ANOMALIES. Identifiers: Orphanet 139471, MedGen C1864689, MONDO:0011936, OMIM 607932.
Orofacial cleft 11 (OFC11). Also called: CLEFT LIP WITH OR WITHOUT CLEFT PALATE, NONSYNDROMIC, 11; Orofacial cleft 11; ofc11. Identifiers: MedGen C2677434, MONDO:0010906, OMIM 600625.

Submissions (2):

GeneDx
Classification: Pathogenic. Last evaluated: 2025-12-19. Review status: criteria provided, single submitter. Criteria: GeneDx Variant Classification Process June 2021. Collection method: clinical testing. Allele origin: germline. Affected: yes.
Comment: Nonsense variant predicted to result in protein truncation, as the last 153 amino acid(s) are lost, and other loss-of-function variants have been reported downstream in HGMD; Not observed at significant frequency in large population cohorts (gnomAD); Identified in an individual with isolated Mullerian aplasia and in multiple individuals from a single family with pathologic myopia in published literature (PMID: 33434492, 34926457); This variant is associated with the following publications: (PMID: 33434492, 37624667, 34926457)

Labcorp Genetics (formerly Invitae), Labcorp
Classification: Uncertain significance for Microphthalmia with brain and digit anomalies; Orofacial cleft 11. Last evaluated: 2025-03-05. Review status: criteria provided, single submitter. Criteria: Invitae Variant Classification Sherloc (09022015). Collection method: clinical testing. Allele origin: germline.
Comment: This sequence change creates a premature translational stop signal (p.Arg256*) in the BMP4 gene. While this is not anticipated to result in nonsense mediated decay, it is expected to disrupt the last 153 amino acid(s) of the BMP4 protein. This variant is not present in population databases (gnomAD no frequency). This premature translational stop signal has been observed in individual(s) with Mayer-Rokitansky-Küster-Hauser syndrome and/or pathologic myopia (PMID: 33434492, 34926457). ClinVar contains an entry for this variant (Variation ID: 1331305). Experimental studies and prediction algorithms are not available or were not evaluated, and the functional significance of this variant is currently unknown. In summary, the available evidence is currently insufficient to determine the role of this variant in disease. Therefore, it has been classified as a Variant of Uncertain Significance.

Literature cited by the submitters: PubMed 33434492 (cited by Labcorp Genetics (formerly Invitae), Labcorp); PubMed 34926457 (cited by Labcorp Genetics (formerly Invitae), Labcorp).

NM_001202.6(BMP4):c.766C>T (p.Arg256Ter)

Gene: BMP4 (bone morphogenetic protein 4; minus strand). Cytogenetic location: 14q22.2.
Variant type: single nucleotide variant.
Coding change: c.766C>T on transcript NM_001202.6 (MANE Select); coding-DNA position 766, C replaced by T.
Protein change: p.Arg256Ter; replaces arginine 256 with a stop codon.
Molecular consequence: nonsense.
Genome position (GRCh38, 1-based): chr14:53,950,493, G>A on the plus strand (C>T on the coding strand, the complement: BMP4 is on the minus strand). VCF-style: chr14-53950493-G-A. GRCh37 (hg19) VCF-style: chr14-54417211-G-A.
Other names: c.907C>T, p.Arg303Ter (NM_001347912.1); c.577C>T, p.Arg193Ter (NM_001347913.2, NM_001347915.2, NM_001347917.1); c.766C>T, p.Arg256Ter (NM_001347914.2, NM_001347916.1, NM_130850.5 and 1 more transcripts); short protein forms R193*, R256*, R303*.
Identifiers: ClinVar variation 1331305 (VCV001331305.4), dbSNP rs756779422, ClinGen allele CA261472672.